The following is an entry in ClinVar:

ClinVar aggregate classification (germline): Likely pathogenic (0 of 4 stars; one submission).

Submission:

Leiden Open Variation Database
Classification: Likely pathogenic. Last evaluated: 2021-02-26. Review status: no assertion criteria provided. Collection method: curation. Allele origin: germline. Affected: yes.
Comment: Curator: Global Variome, with Curator vacancy. Submitter to LOVD: LOVD.

Literature cited by the submitters: PubMed 28559085.

NC_000006.11:g.42663546_42670306delins(?)

Gene: PRPH2 (peripherin 2; minus strand). Cytogenetic location: 6p21.1.
Variant type: Indel.
Identifiers: ClinVar variation 1175235 (VCV001175235.1).